The following is an entry in ClinVar:

ClinVar aggregate classification (germline): Uncertain significance. Review status: criteria provided, multiple submitters, no conflicts (2 of 4 stars). 2 submissions from 2 submitters: Uncertain significance (2). Last evaluated 2025-11-06.

Conditions:
Van Maldergem syndrome 2 (VMLDS2). Identifiers: Orphanet 314679, MedGen C3809875, MONDO:0014242, OMIM 615546.
Hennekam lymphangiectasia-lymphedema syndrome 2 (HKLLS2). Identifiers: Orphanet 2136, MedGen C4014939, MONDO:0014454, OMIM 616006.

Allele frequency attached by ClinVar (database versions not stated): ESP Exome Variant Server 0.00008.
gnomAD v4.1: 44 of 1,612,134 alleles (0.0027%); highest among the groups gnomAD compares: Admixed American, 0.005%; no homozygotes.

Submissions (2):

Labcorp Genetics (formerly Invitae), Labcorp
Classification: Uncertain significance. Last evaluated: 2025-11-06. Review status: criteria provided, single submitter. Criteria: Invitae Variant Classification Sherloc (09022015). Collection method: clinical testing. Allele origin: germline.
Comment: This sequence change replaces serine, which is neutral and polar, with tyrosine, which is neutral and polar, at codon 2584 of the FAT4 protein (p.Ser2584Tyr). This variant is present in population databases (rs370451325, gnomAD 0.006%). This variant has not been reported in the literature in individuals affected with FAT4-related conditions. ClinVar contains an entry for this variant (Variation ID: 2150817). Invitae Evidence Modeling of protein sequence and biophysical properties (such as structural, functional, and spatial information, amino acid conservation, physicochemical variation, residue mobility, and thermodynamic stability) indicates that this missense variant is not expected to disrupt FAT4 protein function with a negative predictive value of 95%. In summary, the available evidence is currently insufficient to determine the role of this variant in disease. Therefore, it has been classified as a Variant of Uncertain Significance.

Fulgent Genetics
Classification: Uncertain significance for Van Maldergem syndrome 2; Hennekam lymphangiectasia-lymphedema syndrome 2. Last evaluated: 2024-06-12. Review status: criteria provided, single submitter. Criteria: ACMG Guidelines, 2015. Collection method: clinical testing. Allele origin: germline.

NM_001291303.3(FAT4):c.7757C>A (p.Ser2586Tyr)

Gene: FAT4 (FAT atypical cadherin 4; plus strand). Cytogenetic location: 4q28.1.
Variant type: single nucleotide variant.
Coding change: c.7757C>A on transcript NM_001291303.3 (MANE Select); coding-DNA position 7757, C replaced by A.
Protein change: p.Ser2586Tyr; replaces serine 2586 with tyrosine.
Molecular consequence: missense variant.
Genome position (GRCh38, 1-based): chr4:125,448,767, C>A. VCF-style: chr4-125448767-C-A. GRCh37 (hg19) VCF-style: chr4-126369922-C-A.
Other names: c.7751C>A (NM_024582.5); c.7757C>A, p.Ser2586Tyr (NM_001291285.3); c.7751C>A, p.Ser2584Tyr (NM_024582.6); short protein forms S2584Y, S2586Y.
Identifiers: ClinVar variation 2150817 (VCV002150817.4), dbSNP rs370451325, ClinGen allele CA3073248.